The following is an entry in ClinVar:

ClinVar aggregate classification (germline): Likely benign (1 of 4 stars; one submission).

Allele frequency attached by ClinVar (database versions not stated): 1000 Genomes Project 30x 0.00187; 1000 Genomes Project 0.00220; gnomAD 0.00314; ExAC 0.00328; gnomAD exomes 0.00333; TOPMed 0.00377.
gnomAD v4.1: 2,578 of 775,176 alleles (0.33%); highest among the groups gnomAD compares: Non-Finnish European, 0.46%; 7 homozygotes.

Submission:

CeGaT Center for Human Genetics Tuebingen
Classification: Likely benign. Last evaluated: 2023-04-01. Review status: criteria provided, single submitter. Criteria: CeGaT Center For Human Genetics Tuebingen Variant Classification Criteria Version 2. Collection method: clinical testing. Allele origin: germline. Affected: yes. Observed: 1 variant allele.
Comment: RNASET2: BS2

NM_003730.6(RNASET2):c.446+131G>A

Gene: RNASET2 (ribonuclease T2; minus strand). Cytogenetic location: 6q27.
Variant type: single nucleotide variant.
Coding change: c.446+131G>A on transcript NM_003730.6 (MANE Select); 131 bases into the intron after coding-DNA position 446, G replaced by A.
Molecular consequence: intron variant.
Genome position (GRCh38, 1-based): chr6:166,938,764, C>T on the plus strand (G>A on the coding strand, the complement: RNASET2 is on the minus strand). VCF-style: chr6-166938764-C-T. GRCh37 (hg19) VCF-style: chr6-167352252-C-T.
Identifiers: ClinVar variation 2571268 (VCV002571268.27), dbSNP rs143517894, ClinGen allele CA4094967.